The following is an entry in ClinVar:

NM_018006.5(TRMU):c.673G>A (p.Gly225Arg)

Gene: TRMU (tRNA mitochondrial 2-thiouridylase; plus strand). Cytogenetic location: 22q13.31.
Variant type: single nucleotide variant.
Coding change: c.673G>A on transcript NM_018006.5 (MANE Select); coding-DNA position 673, G replaced by A.
Protein change: p.Gly225Arg; replaces glycine 225 with arginine.
Molecular consequence: missense variant. On other transcripts: non-coding transcript variant (2).
Genome position (GRCh38, 1-based): chr22:46,352,142, G>A. VCF-style: chr22-46352142-G-A. GRCh37 (hg19) VCF-style: chr22-46748039-G-A.
Other names: c.331G>A, p.Gly111Arg (NM_001282782.2); c.253G>A, p.Gly85Arg (NM_001282783.2, NM_001282784.2); c.673G>A, p.Gly225Arg (NM_001282785.2); short protein forms G111R, G225R, G85R.
Identifiers: ClinVar variation 1193998 (VCV001193998.3), dbSNP rs1253028633, ClinGen allele CA411946152.
Genomic context (GRCh38, chr22:46,352,142, plus strand): 5'-ACTTCTGCTCCTCTCACGGCTGCCGTCTTCTCATTTCAGAGCATGGGCATGTGTTTCATC[G>A]GGAAGAGGAATTTTGAACATTTCCTTCTTCAGGTGCGTGCTGCTCTTTGACACAAAGAGA-3'
Protein context (NP_060476.2, residues 215-235): KKESMGMCFI[Gly225Arg]KRNFEHFLLQ

ClinVar aggregate classification (germline): Uncertain significance. Review status: criteria provided, single submitter (1 of 4 stars). 2 submissions from 2 submitters: Uncertain significance (1). 1 of the submissions does not count toward it. Last evaluated 2021-06-21.

Conditions:
Acute infantile liver failure due to synthesis defect of mtDNA-encoded proteins. Also called: LIVER FAILURE, INFANTILE, TRANSIENT; Liver failure acute infantile; TRMU Deficiency. Identifiers: Orphanet 217371, MedGen C3278664, MONDO:0013111, OMIM 613070.

Allele frequency attached by ClinVar (database versions not stated): gnomAD exomes 0.00001.
gnomAD v4.1: 13 of 1,613,786 alleles (0.00081%); highest among the groups gnomAD compares: African/African-American, 0.0027%; no homozygotes.

Submissions (2):

GeneDx
Classification: Uncertain significance. Last evaluated: 2021-06-21. Review status: criteria provided, single submitter. Criteria: GeneDx Variant Classification Process June 2021. Collection method: clinical testing. Allele origin: germline. Affected: yes.
Comment: Has not been previously published as pathogenic or benign to our knowledge; Not observed at a significant frequency in large population cohorts (Lek et al., 2016); In silico analysis supports that this missense variant has a deleterious effect on protein structure/function; This variant is associated with the following publications: (PMID: 27535533)

Natera, Inc.
Classification: Uncertain significance for Acute infantile liver failure due to synthesis defect of mtDNA-encoded proteins. Last evaluated: 2020-11-19. Review status: no assertion criteria provided. Collection method: clinical testing. Allele origin: germline. Not counted in ClinVar's aggregate classification.